The following is an entry in ClinVar:

ClinVar aggregate classification (germline): Uncertain significance (1 of 4 stars; one submission).

Allele frequency attached by ClinVar (database versions not stated): gnomAD exomes 0.00001; TOPMed 0.00002.

Submission:

Labcorp Genetics (formerly Invitae), Labcorp
Classification: Uncertain significance. Last evaluated: 2024-04-18. Review status: criteria provided, single submitter. Criteria: Invitae Variant Classification Sherloc (09022015). Collection method: clinical testing. Allele origin: germline.
Comment: This sequence change creates a premature translational stop signal (p.Gln79*) in the NXF5 gene. It is expected to result in an absent or disrupted protein product. However, the current clinical and genetic evidence is not sufficient to establish whether loss-of-function variants in NXF5 cause disease. This variant is not present in population databases (gnomAD no frequency). This variant has not been reported in the literature in individuals affected with NXF5-related conditions. ClinVar contains an entry for this variant (Variation ID: 1993606). Algorithms developed to predict the effect of sequence changes on RNA splicing suggest that this variant may disrupt the consensus splice site. In summary, the available evidence is currently insufficient to determine the role of this variant in disease. Therefore, it has been classified as a Variant of Uncertain Significance.

NC_000023.11:g.101841679G>A

Gene: NXF5 (nuclear RNA export factor 5; minus strand). Cytogenetic location: Xq22.1.
Variant type: single nucleotide variant.
Molecular consequence: non-coding transcript variant (on NR_028089.1).
Genome position: GRCh38 VCF-style: chrX-101841679-G-A. GRCh37 (hg19) VCF-style: chrX-101096651-G-A.
Identifiers: ClinVar variation 1993606 (VCV001993606.4), dbSNP rs1226485113, ClinGen allele CA413967601.
Genomic context (GRCh38, chrX:101,841,679, plus strand): 5'-CCTGGCCTGTCCTCCTGCCCAAAGACTAAGTACAGGGAATGCCCTCAGCACACACCTTTT[G>A]GTTCTCATCATCATAAATCTTATAACTGACATCCTTCAATGCAGAGGCAGCACTAGCAAC-3'